The following is an entry in ClinVar:

NM_017882.3(CLN6):c.116G>A (p.Arg39His)

Gene: CLN6 (CLN6 transmembrane ER protein; minus strand). Cytogenetic location: 15q23.
Variant type: single nucleotide variant.
Coding change: c.116G>A on transcript NM_017882.3 (MANE Select); coding-DNA position 116, G replaced by A.
Protein change: p.Arg39His; replaces arginine 39 with histidine.
Molecular consequence: missense variant.
Genome position (GRCh38, 1-based): chr15:68,218,618, C>T on the plus strand (G>A on the coding strand, the complement: CLN6 is on the minus strand). VCF-style: chr15-68218618-C-T. GRCh37 (hg19) VCF-style: chr15-68510956-C-T.
Other names: p.R39H:CGC>CAC; short protein forms R39H.
Identifiers: ClinVar variation 205153 (VCV000205153.2), dbSNP rs779456928, ClinGen allele CA313941.

ClinVar aggregate classification (germline): Conflicting classifications of pathogenicity. Review status: criteria provided, conflicting classifications (1 of 4 stars). 2 submissions from 2 submitters: Uncertain significance (1); Likely benign (1). Last evaluated 2022-09-01.

Conditions:
Neuronal ceroid lipofuscinosis. Also called: Neuronal Ceroid Lipofuscinoses. Identifiers: Orphanet 216, Orphanet 79263, MedGen C0027877, MONDO:0016295. Disease mechanism: loss of function.

Allele frequency attached by ClinVar (database versions not stated): ExAC 0.00001; TOPMed 0.00002.
gnomAD v4.1: 20 of 1,613,720 alleles (0.0012%); highest among the groups gnomAD compares: East Asian, 0.0089%; no homozygotes.

Submissions (2):

Labcorp Genetics (formerly Invitae), Labcorp
Classification: Uncertain significance for Neuronal ceroid lipofuscinosis. Last evaluated: 2022-09-01. Review status: criteria provided, single submitter. Criteria: Invitae Variant Classification Sherloc (09022015). Collection method: clinical testing. Allele origin: germline.
Comment: This sequence change replaces arginine, which is basic and polar, with histidine, which is basic and polar, at codon 39 of the CLN6 protein (p.Arg39His). This variant is present in population databases (rs779456928, gnomAD 0.006%). This variant has not been reported in the literature in individuals affected with CLN6-related conditions. ClinVar contains an entry for this variant (Variation ID: 205153). Algorithms developed to predict the effect of missense changes on protein structure and function output the following: SIFT: "Tolerated"; PolyPhen-2: "Benign"; Align-GVGD: "Class C0". The histidine amino acid residue is found in multiple mammalian species, which suggests that this missense change does not adversely affect protein function. In summary, the available evidence is currently insufficient to determine the role of this variant in disease. Therefore, it has been classified as a Variant of Uncertain Significance.

GeneDx
Classification: Likely benign. Last evaluated: 2013-08-13. Review status: criteria provided, single submitter. Criteria: GeneDx Variant Classification (06012015). Collection method: clinical testing. Allele origin: germline. Affected: yes.
Comment: This variant is considered likely benign or benign based on one or more of the following criteria: it is a conservative change, it occurs at a poorly conserved position in the protein, it is predicted to be benign by multiple in silico algorithms, and/or has population frequency not consistent with disease.